The following is an entry in ClinVar:

NM_015335.5(MED13L):c.92A>G (p.Lys31Arg)

Gene: MED13L (mediator complex subunit 13L; minus strand). Cytogenetic location: 12q24.21.
Variant type: single nucleotide variant.
Coding change: c.92A>G on transcript NM_015335.5 (MANE Select); coding-DNA position 92, A replaced by G.
Protein change: p.Lys31Arg; replaces lysine 31 with arginine.
Molecular consequence: missense variant.
Genome position (GRCh38, 1-based): chr12:116,237,686, T>C on the plus strand (A>G on the coding strand, the complement: MED13L is on the minus strand). VCF-style: chr12-116237686-T-C. GRCh37 (hg19) VCF-style: chr12-116675491-T-C.
Other names: short protein forms K31R.
Identifiers: ClinVar variation 2331466 (VCV002331466.3), dbSNP rs372265285, ClinGen allele CA244930226.

ClinVar aggregate classification (germline): Uncertain significance. Review status: criteria provided, multiple submitters, no conflicts (2 of 4 stars). 2 submissions from 2 submitters: Uncertain significance (2). Last evaluated 2025-04-22.

Conditions:
Inborn genetic diseases. Identifiers: MedGen C0950123, MeSH D030342.
Dextro-looped transposition of the great arteries. Also called: Dextrotransposition of the great arteries. Identifiers: Orphanet 860, MedGen C3531771, MONDO:0019443, OMIM 608808, HP:0031348.

Allele frequency attached by ClinVar (database versions not stated): gnomAD exomes below 0.00001; ESP Exome Variant Server 0.00008.
gnomAD v4.1: 1 of 1,614,166 alleles (0.000062%); highest among the groups gnomAD compares: Non-Finnish European, 0.000085%; no homozygotes.

Submissions (2):

Labcorp Genetics (formerly Invitae), Labcorp
Classification: Uncertain significance for Dextro-looped transposition of the great arteries. Last evaluated: 2025-04-22. Review status: criteria provided, single submitter. Criteria: Invitae Variant Classification Sherloc (09022015). Collection method: clinical testing. Allele origin: germline.
Comment: This sequence change replaces lysine, which is basic and polar, with arginine, which is basic and polar, at codon 31 of the MED13L protein (p.Lys31Arg). This variant is present in population databases (rs372265285, gnomAD 0.0009%). This variant has not been reported in the literature in individuals affected with MED13L-related conditions. ClinVar contains an entry for this variant (Variation ID: 2331466). Invitae Evidence Modeling of protein sequence and biophysical properties (such as structural, functional, and spatial information, amino acid conservation, physicochemical variation, residue mobility, and thermodynamic stability) indicates that this missense variant is not expected to disrupt MED13L protein function with a negative predictive value of 80%. In summary, the available evidence is currently insufficient to determine the role of this variant in disease. Therefore, it has been classified as a Variant of Uncertain Significance.

Ambry Genetics
Classification: Uncertain significance for Inborn genetic diseases. Last evaluated: 2022-12-01. Review status: criteria provided, single submitter. Criteria: Ambry Variant Classification Scheme 2023. Collection method: clinical testing. Allele origin: germline.